The following is an entry in ClinVar:

NM_017617.5(NOTCH1):c.7214A>C (p.Gln2405Pro)

Gene: NOTCH1 (notch receptor 1; minus strand). Cytogenetic location: 9q34.3.
Variant type: single nucleotide variant.
Coding change: c.7214A>C on transcript NM_017617.5 (MANE Select); coding-DNA position 7214, A replaced by C.
Protein change: p.Gln2405Pro; replaces glutamine 2405 with proline.
Molecular consequence: missense variant.
Genome position (GRCh38, 1-based): chr9:136,496,525, T>G on the plus strand (A>C on the coding strand, the complement: NOTCH1 is on the minus strand). VCF-style: chr9-136496525-T-G. GRCh37 (hg19) VCF-style: chr9-139390977-T-G.
Other names: short protein forms Q2405P.
Identifiers: ClinVar variation 3226989 (VCV003226989.2), dbSNP rs2540420870, ClinGen allele CA375627641.

ClinVar aggregate classification (germline): Conflicting classifications of pathogenicity. Review status: criteria provided, conflicting classifications (1 of 4 stars). 2 submissions from 2 submitters: Uncertain significance (1); Likely benign (1). Last evaluated 2023-10-01.

Conditions:
Familial thoracic aortic aneurysm and aortic dissection (TAAD). Also called: Thoracic aortic aneurysms and dissections. Identifiers: Orphanet 91387, MedGen C4707243, MONDO:0019625.

Allele frequency attached by ClinVar (database versions not stated): gnomAD exomes below 0.00001.
gnomAD v4.1: 4 of 1,606,014 alleles (0.00025%); highest among the groups gnomAD compares: Non-Finnish European, 0.00034%; no homozygotes.

Submissions (2):

Ambry Genetics
Classification: Likely benign for Familial thoracic aortic aneurysm and aortic dissection. Last evaluated: 2023-10-01. Review status: criteria provided, single submitter. Criteria: Ambry Variant Classification Scheme 2023. Collection method: clinical testing. Allele origin: germline.

GeneDx
Classification: Uncertain significance. Last evaluated: 2023-07-19. Review status: criteria provided, single submitter. Criteria: GeneDx Variant Classification Process June 2021. Collection method: clinical testing. Allele origin: germline. Affected: yes.
Comment: Not observed at significant frequency in large population cohorts (gnomAD); In silico analysis supports that this missense variant does not alter protein structure/function; Has not been previously published as pathogenic or benign to our knowledge